The following is an entry in ClinVar:

NM_001256071.3(RNF213):c.13096C>T (p.Gln4366Ter)

Genes: RNF213 (ring finger protein 213; plus strand), RNF213-AS1 (RNF213 antisense RNA 1; minus strand). Cytogenetic location: 17q25.3.
Variant type: single nucleotide variant.
Coding change: c.13096C>T on transcript NM_001256071.3 (MANE Select); coding-DNA position 13096, C replaced by T.
Protein change: p.Gln4366Ter; replaces glutamine 4366 with a stop codon.
Molecular consequence: nonsense.
Genome position (GRCh38, 1-based): chr17:80,375,781, C>T. VCF-style: chr17-80375781-C-T. GRCh37 (hg19) VCF-style: chr17-78349581-C-T.
Other names: c.13243C>T, p.Gln4415Ter (NM_001410195.1, NM_020914.5); short protein forms Q4415*, Q4366*.
Identifiers: ClinVar variation 2824759 (VCV002824759.3), dbSNP rs2511520603, ClinGen allele CA401411452.

ClinVar aggregate classification (germline): Uncertain significance (1 of 4 stars; one submission).

Submission:

Labcorp Genetics (formerly Invitae), Labcorp
Classification: Uncertain significance. Last evaluated: 2022-12-29. Review status: criteria provided, single submitter. Criteria: Invitae Variant Classification Sherloc (09022015). Collection method: clinical testing. Allele origin: germline.
Comment: This sequence change creates a premature translational stop signal (p.Gln4366*) in the RNF213 gene. It is expected to result in an absent or disrupted protein product. However, the current clinical and genetic evidence is not sufficient to establish whether loss-of-function variants in RNF213 cause disease. This variant is not present in population databases (gnomAD no frequency). This variant has not been reported in the literature in individuals affected with RNF213-related conditions. Experimental studies and prediction algorithms are not available or were not evaluated, and the functional significance of this variant is currently unknown. In summary, the available evidence is currently insufficient to determine the role of this variant in disease. Therefore, it has been classified as a Variant of Uncertain Significance.